The following is an entry in ClinVar:

ClinVar aggregate classification (germline): Uncertain significance (1 of 4 stars; one submission).

Submission:

GeneDx
Classification: Uncertain significance. Last evaluated: 2021-04-19. Review status: criteria provided, single submitter. Criteria: GeneDx Variant Classification Process June 2021. Collection method: clinical testing. Allele origin: germline. Affected: yes.
Comment: Has not been previously published as pathogenic or benign to our knowledge; Not observed in large population cohorts (Lek et al., 2016); In silico analysis supports that this missense variant does not alter protein structure/function

NM_001853.4(COL9A3):c.1571G>C (p.Arg524Pro)

Genes: COL9A3 (collagen type IX alpha 3 chain; plus strand), LOC126863084 (MED14-independent group 3 enhancer GRCh37_chr20:61467141-61468340; plus strand). Cytogenetic location: 20q13.33.
Variant type: single nucleotide variant.
Coding change: c.1571G>C on transcript NM_001853.4 (MANE Select); coding-DNA position 1571, G replaced by C.
Protein change: p.Arg524Pro; replaces arginine 524 with proline.
Molecular consequence: missense variant.
Genome position (GRCh38, 1-based): chr20:62,836,500, G>C. VCF-style: chr20-62836500-G-C. GRCh37 (hg19) VCF-style: chr20-61467852-G-C.
Other names: short protein forms R524P.
Identifiers: ClinVar variation 1314781 (VCV001314781.2), dbSNP rs373382239, ClinGen allele CA409598562.
Genomic context (GRCh38, chr20:62,836,500, plus strand): 5'-CCGCCCCCATGCTGACGAATGTGTGGGGTGAATTCCAGGGGAAGGAGGCCAGCGAGCAGC[G>C]CATCAGGGAGCTGTGTGGGGGGATGATCAGCGGTAAGTCAGCCACGTGCACCGGCTGCAG-3'
Protein context (NP_001844.3, residues 514-534): GVPGKEASEQ[Arg524Pro]IRELCGGMIS